The following is an entry in ClinVar:

NM_016356.5(DCDC2):c.151G>C (p.Val51Leu)

Genes: DCDC2 (doublecortin domain containing 2; minus strand), KAAG1 (kidney associated DCDC2 antisense RNA 1; plus strand). Cytogenetic location: 6p22.3.
Variant type: single nucleotide variant.
Coding change: c.151G>C on transcript NM_016356.5 (MANE Select); coding-DNA position 151, G replaced by C.
Protein change: p.Val51Leu; replaces valine 51 with leucine.
Molecular consequence: missense variant.
Genome position (GRCh38, 1-based): chr6:24,357,600, C>G on the plus strand (G>C on the coding strand, the complement: DCDC2 is on the minus strand). VCF-style: chr6-24357600-C-G. GRCh37 (hg19) VCF-style: chr6-24357828-C-G.
Other names: c.151G>C, p.Val51Leu (NM_001195610.2); c.151G>C (NM_016356.4, NM_016356.3); short protein forms V51L.
Identifiers: ClinVar variation 594819 (VCV000594819.8), dbSNP rs554313786, ClinGen allele CA3654873.

ClinVar aggregate classification (germline): Uncertain significance. Review status: criteria provided, multiple submitters, no conflicts (2 of 4 stars). 4 submissions from 4 submitters: Uncertain significance (4). Last evaluated 2024-12-03.

Conditions:
Isolated neonatal sclerosing cholangitis (NSC). Also called: Sclerosing cholangitis, neonatal. Identifiers: Orphanet 480556, MedGen C4479344, MONDO:0018816, OMIM 617394.
Nephronophthisis 19 (NPHP19). Identifiers: Orphanet 84081, MedGen C4015542, MONDO:0014537, OMIM 616217.
Autosomal recessive nonsyndromic hearing loss 66 (DFNB66). Also called: Deafness, autosomal recessive 66. Identifiers: Orphanet 90636, MedGen C1857750, MONDO:0012442, OMIM 610212.
Inborn genetic diseases. Identifiers: MedGen C0950123, MeSH D030342.

Allele frequency attached by ClinVar (database versions not stated): gnomAD exomes below 0.00001 and 0.00001; ExAC 0.00001; gnomAD 0.00001; 1000 Genomes Project 30x 0.00016; 1000 Genomes Project 0.00020.
gnomAD v4.1: 7 of 1,613,510 alleles (0.00043%); highest among the groups gnomAD compares: Admixed American, 0.01%; no homozygotes.

Submissions (4):

Ambry Genetics
Classification: Uncertain significance for Inborn genetic diseases. Last evaluated: 2024-12-03. Review status: criteria provided, single submitter. Criteria: Ambry Variant Classification Scheme 2023. Collection method: clinical testing. Allele origin: germline.

GeneDx
Classification: Uncertain significance. Last evaluated: 2024-06-17. Review status: criteria provided, single submitter. Criteria: GeneDx Variant Classification Process June 2021. Collection method: clinical testing. Allele origin: germline. Affected: yes.
Comment: In silico analysis indicates that this missense variant does not alter protein structure/function; Has not been previously published as pathogenic or benign to our knowledge

Fulgent Genetics
Classification: Uncertain significance for Autosomal recessive nonsyndromic hearing loss 66; Nephronophthisis 19; Isolated neonatal sclerosing cholangitis. Last evaluated: 2022-03-21. Review status: criteria provided, single submitter. Criteria: ACMG Guidelines, 2015. Collection method: clinical testing. Allele origin: unknown.

Eurofins Ntd Llc (ga)
Classification: Uncertain significance. Last evaluated: 2017-11-06. Review status: criteria provided, single submitter. Criteria: EGL Classification Definitions 2015. Collection method: clinical testing. Allele origin: germline. Observed: 1 variant allele, 1 heterozygote.